The following is an entry in ClinVar:

NM_004304.5(ALK):c.1792T>C (p.Leu598=)

Gene: ALK (ALK receptor tyrosine kinase; minus strand). Cytogenetic location: 2p23.2.
Variant type: single nucleotide variant.
Coding change: c.1792T>C on transcript NM_004304.5 (MANE Select); coding-DNA position 1792, T replaced by C.
Protein change: p.Leu598=; no amino-acid change (leucine 598 retained).
Molecular consequence: synonymous variant.
Genome position (GRCh38, 1-based): chr2:29,296,913, A>G on the plus strand (T>C on the coding strand, the complement: ALK is on the minus strand). VCF-style: chr2-29296913-A-G. GRCh37 (hg19) VCF-style: chr2-29519779-A-G.
Identifiers: ClinVar variation 4084250 (VCV004084250.8).

ClinVar aggregate classification (germline): Likely benign (1 of 4 stars; one submission).

Submission:

CeGaT Center for Human Genetics Tuebingen
Classification: Likely benign. Last evaluated: 2025-08-01. Review status: criteria provided, single submitter. Criteria: CeGaT Center For Human Genetics Tuebingen Variant Classification Criteria Version 2. Collection method: clinical testing. Allele origin: germline. Affected: yes. Observed: 1 variant allele.
Comment: ALK: PM2:Supporting, BP4, BP7